The following is an entry in ClinVar:

ClinVar aggregate classification (germline): Uncertain significance (1 of 4 stars; one submission).

Conditions:
Aortic aneurysm, familial thoracic 4 (AAT4). Also called: AORTIC ANEURYSM/AORTIC DISSECTION AND PATENT DUCTUS ARTERIOSUS. Identifiers: MedGen C1851504, MONDO:0007568, OMIM 132900.

Allele frequency attached by ClinVar (database versions not stated): gnomAD exomes below 0.00001.
gnomAD v4.1: 5 of 1,610,206 alleles (0.00031%); highest among the groups gnomAD compares: Non-Finnish European, 0.00042%; no homozygotes.

Submission:

Labcorp Genetics (formerly Invitae), Labcorp
Classification: Uncertain significance for Aortic aneurysm, familial thoracic 4. Last evaluated: 2022-12-03. Review status: criteria provided, single submitter. Criteria: Invitae Variant Classification Sherloc (09022015). Collection method: clinical testing. Allele origin: germline.
Comment: In summary, the available evidence is currently insufficient to determine the role of this variant in disease. Therefore, it has been classified as a Variant of Uncertain Significance. Algorithms developed to predict the effect of missense changes on protein structure and function (SIFT, PolyPhen-2, Align-GVGD) all suggest that this variant is likely to be tolerated. This variant has not been reported in the literature in individuals affected with MYH11-related conditions. The frequency data for this variant in the population databases is considered unreliable, as metrics indicate poor data quality at this position in the gnomAD database. This sequence change replaces proline, which is neutral and non-polar, with serine, which is neutral and polar, at codon 1939 of the MYH11 protein (p.Pro1939Ser).

NM_001040113.2(MYH11):c.5815C>T (p.Pro1939Ser)

Genes: NDE1 (nudE neurodevelopment protein 1; plus strand), MYH11 (myosin heavy chain 11; minus strand). Cytogenetic location: 16p13.11.
Variant type: single nucleotide variant.
Coding change: c.5815C>T on transcript NM_001040113.2 (MANE Plus Clinical); coding-DNA position 5815, C replaced by T.
Protein change: p.Pro1939Ser; replaces proline 1939 with serine.
Molecular consequence: missense variant. On other transcripts: intron variant (4).
Genome position (GRCh38, 1-based): chr16:15,708,834, G>A on the plus strand (C>T on the coding strand, the complement: MYH11 is on the minus strand). VCF-style: chr16-15708834-G-A. GRCh37 (hg19) VCF-style: chr16-15802691-G-A.
Other names: c.5794C>T, p.Pro1932Ser (NM_022844.3); c.947+11974G>A (NM_001143979.2, NM_017668.3); c.5787-4711C>T (NM_002474.3); c.5808-4711C>T (NM_001040114.2); short protein forms P1932S, P1939S.
Identifiers: ClinVar variation 2702349 (VCV002702349.1), dbSNP rs1338501284, ClinGen allele CA394844697.